The following is an entry in ClinVar:

NM_020203.6(MEPE):c.658A>G (p.Ile220Val)

Genes: MEPE (matrix extracellular phosphoglycoprotein; plus strand), MEPE-AS1 (MEPE and IBSP antisense RNA 1; minus strand). Cytogenetic location: 4q22.1.
Variant type: single nucleotide variant.
Coding change: c.658A>G on transcript NM_020203.6 (MANE Select); coding-DNA position 658, A replaced by G.
Protein change: p.Ile220Val; replaces isoleucine 220 with valine.
Molecular consequence: missense variant.
Genome position (GRCh38, 1-based): chr4:87,845,526, A>G. VCF-style: chr4-87845526-A-G. GRCh37 (hg19) VCF-style: chr4-88766678-A-G.
Other names: c.658A>G, p.Ile220Val (NM_001184694.3); c.319A>G, p.Ile107Val (NM_001184695.4, NM_001184696.2, NM_001184697.2); c.751A>G, p.Ile251Val (NM_001291183.2); c.751A>G (NM_001291183.1); short protein forms I251V, I220V, I107V.
Identifiers: ClinVar variation 2550072 (VCV002550072.4), dbSNP rs147945998, ClinGen allele CA3002698.

ClinVar aggregate classification (germline): Uncertain significance. Review status: criteria provided, multiple submitters, no conflicts (2 of 4 stars). 2 submissions from 2 submitters: Uncertain significance (2). Last evaluated 2026-04-24.

Conditions:
MEPE-related disorder. Also called: MEPE-related condition.

Allele frequency attached by ClinVar (database versions not stated): TOPMed 0.00012; gnomAD 0.00013; ExAC 0.00017; gnomAD exomes 0.00038; ESP Exome Variant Server 0.00046.

Submissions (2):

PreventionGenetics, part of Exact Sciences
Classification: Uncertain significance for MEPE-related condition. Last evaluated: 2026-04-24. Review status: criteria provided, single submitter. Criteria: ACMG Guidelines, 2015. Collection method: clinical testing. Allele origin: germline.
Comment: The MEPE c.751A>G variant is predicted to result in the amino acid substitution p.Ile251Val. To our knowledge, this variant has not been reported in the literature. This variant is reported in 0.030% of alleles in individuals of European (Non-Finnish) descent in gnomAD. Although we suspect that this variant may be benign, at this time, the clinical significance of this variant is uncertain due to the absence of conclusive functional and genetic evidence.

Ambry Genetics
Classification: Uncertain significance. Last evaluated: 2025-09-27. Review status: criteria provided, single submitter. Criteria: Ambry Variant Classification Scheme 2023. Collection method: clinical testing. Allele origin: germline.